The following is an entry in ClinVar:

ClinVar aggregate classification (germline): Likely benign. Review status: criteria provided, multiple submitters, no conflicts (2 of 4 stars). 4 submissions from 4 submitters: Likely benign (3). 1 of the submissions does not count toward it. Last evaluated 2024-06-29.

Conditions:
Cardiovascular phenotype. Identifiers: MedGen CN230736.
Duchenne muscular dystrophy (DMD). Also called: MUSCULAR DYSTROPHY, PSEUDOHYPERTROPHIC PROGRESSIVE, DUCHENNE TYPE; Duchenne Muscular Dystrophy (DMD). Identifiers: Orphanet 98896, MedGen C0013264, MONDO:0010679, OMIM 310200.
Becker muscular dystrophy (BMD). Also called: MUSCULAR DYSTROPHY, PSEUDOHYPERTROPHIC PROGRESSIVE, BECKER TYPE; Becker Muscular Dystrophy (BMD). Identifiers: Orphanet 98895, MedGen C0917713, MONDO:0010311, OMIM 300376.
Cardiomyopathy (CMYO). Also called: Cardiomyopathies. Identifiers: Orphanet 167848, MedGen C0878544, MONDO:0004994, HP:0001638. Inheritance: Various modes of inheritance.
Dystrophin deficiency.

Allele frequency attached by ClinVar (database versions not stated): ExAC 0.00001; TOPMed 0.00001.
gnomAD v4.1: 1 of 1,208,700 alleles (0.000083%); highest among the groups gnomAD compares: Non-Finnish European, 0.00011%; no homozygotes.

Submissions (4):

Labcorp Genetics (formerly Invitae), Labcorp
Classification: Likely benign for Duchenne muscular dystrophy. Last evaluated: 2024-06-29. Review status: criteria provided, single submitter. Criteria: Invitae Variant Classification Sherloc (09022015). Collection method: clinical testing. Allele origin: germline.

Ambry Genetics
Classification: Likely benign for Cardiovascular phenotype. Last evaluated: 2024-05-11. Review status: criteria provided, single submitter. Criteria: Ambry Variant Classification Scheme 2023. Collection method: clinical testing. Allele origin: germline.

GeneDx
Classification: Likely benign. Last evaluated: 2016-02-08. Review status: criteria provided, single submitter. Criteria: GeneDx Variant Classification (06012015). Collection method: clinical testing. Allele origin: germline. Affected: yes.
Comment: This variant is considered likely benign or benign based on one or more of the following criteria: it is a conservative change, it occurs at a poorly conserved position in the protein, it is predicted to be benign by multiple in silico algorithms, and/or has population frequency not consistent with disease.

Natera, Inc.
Classification: Likely benign for Becker muscular dystrophy; Cardiomyopathy; Duchenne muscular dystrophy; Dystrophin deficiency. Last evaluated: 2018-10-26. Review status: no assertion criteria provided. Collection method: clinical testing. Allele origin: germline. Not counted in ClinVar's aggregate classification.

NM_004006.3(DMD):c.3678T>G (p.Ala1226=)

Gene: DMD (dystrophin; minus strand). Cytogenetic location: Xp21.1.
Variant type: single nucleotide variant.
Coding change: c.3678T>G on transcript NM_004006.3 (MANE Select); coding-DNA position 3678, T replaced by G.
Protein change: p.Ala1226=; no amino-acid change (alanine 1226 retained).
Molecular consequence: synonymous variant.
Genome position (GRCh38, 1-based): chrX:32,448,564, A>C on the plus strand (T>G on the coding strand, the complement: DMD is on the minus strand). VCF-style: chrX-32448564-A-C. GRCh37 (hg19) VCF-style: chrX-32466681-A-C.
Other names: c.3654T>G, p.Ala1218= (NM_000109.4); c.3666T>G, p.Ala1222= (NM_004009.3); c.3309T>G, p.Ala1103= (NM_004010.3).
Identifiers: ClinVar variation 383402 (VCV000383402.11), dbSNP rs767458058, ClinGen allele CA10379207.